The following is an entry in ClinVar:

ClinVar aggregate classification (germline): Pathogenic. Review status: criteria provided, multiple submitters, no conflicts (2 of 4 stars). 2 submissions from 2 submitters: Pathogenic (2). Last evaluated 2024-05-27.

Conditions:
Retinal dystrophy. Also called: Inherited retinal dystrophy. Identifiers: Orphanet 71862, MedGen C0854723, MeSH D058499, MONDO:0019118, HP:0000556.
RPE65-related recessive retinopathy. Also called: Recessive RPE65 retinopathy. Identifiers: MedGen CN305526, MONDO:0100368.

gnomAD v4.1: 1 of 1,613,970 alleles (0.000062%); highest among the groups gnomAD compares: South Asian, 0.0011%; no homozygotes.

Submissions (2):

Ophthalmic Genetics Group, Institute of Molecular and Clinical Ophthalmology Basel
Classification: Pathogenic for Retinal dystrophy. Last evaluated: 2024-05-27. Review status: criteria provided, single submitter. Criteria: ACMG Guidelines, 2015. Collection method: research. Allele origin: germline. Affected: yes. Observed: 3 variant alleles.
Comment: This variant was classified as Pathogenic based on ACMG criteria: PVS1_very strong, PM2_mod and PP1_strong

Myriad Genetics, Inc.
Classification: Pathogenic for RPE65-related recessive retinopathy. Last evaluated: 2024-01-17. Review status: criteria provided, single submitter. Criteria: Myriad Autosomal Dominant, Autosomal Recessive and X-Linked Classification Criteria (2023). Collection method: clinical testing. Allele origin: unknown.
Comment: NM_000329.2(RPE65):c.550G>T(E184*) is expected to be pathogenic in the context of inherited retinal dystrophy, RPE65-related. This variant is predicted to lead to an abnormal or absent protein product due to the creation of a premature termination codon in RPE65, a gene where loss-of-function variants are known to be pathogenic. Please note: this variant was assessed in the context of healthy population screening.

Literature cited by the submitters: PubMed 40180963 (cited by Ophthalmic Genetics Group, Institute of Molecular and Clinical Ophthalmology Basel).

NM_000329.3(RPE65):c.550G>T (p.Glu184Ter)

Gene: RPE65 (retinoid isomerohydrolase RPE65; minus strand). Cytogenetic location: 1p31.3.
Variant type: single nucleotide variant.
Coding change: c.550G>T on transcript NM_000329.3 (MANE Select); coding-DNA position 550, G replaced by T.
Protein change: p.Glu184Ter; replaces glutamic acid 184 with a stop codon.
Molecular consequence: nonsense.
Genome position (GRCh38, 1-based): chr1:68,440,946, C>A on the plus strand (G>T on the coding strand, the complement: RPE65 is on the minus strand). VCF-style: chr1-68440946-C-A. GRCh37 (hg19) VCF-style: chr1-68906629-C-A.
Other names: NC_000001.10:g.68906629C>A; NP_000320.1:p.(Glu184Ter); c.442G>T, p.Glu148Ter (NM_001406853.1); c.274G>T, p.Glu92Ter (NM_001406856.1, NM_001406857.1); c.550G>T, p.Glu184Ter (NM_001406859.1); short protein forms E148*, E184*, E92*.
Identifiers: ClinVar variation 3381771 (VCV003381771.3).
Genomic context (GRCh38, chr1:68,440,946, plus strand): 5'-AGGCAATTGAAAAATTTTTTCCAAAGCAATTACCAATATTGTAAACGGTTCCATCATTTT[C>A]AATGTGGGGGTGAGCAGTGGCCCCATTGACAGAGACATAGTTGCAAAGATCAACCTACGG-3'